The following is an entry in ClinVar:

NM_000372.5(TYR):c.1346A>G (p.Tyr449Cys)

Gene: TYR (tyrosinase; plus strand). Cytogenetic location: 11q14.3.
Variant type: single nucleotide variant.
Coding change: c.1346A>G on transcript NM_000372.5 (MANE Select); coding-DNA position 1346, A replaced by G.
Protein change: p.Tyr449Cys; replaces tyrosine 449 with cysteine.
Molecular consequence: missense variant.
Genome position (GRCh38, 1-based): chr11:89,284,934, A>G. VCF-style: chr11-89284934-A-G. GRCh37 (hg19) VCF-style: chr11-89018102-A-G.
Other names: short protein forms Y449C.
Identifiers: ClinVar variation 1454225 (VCV001454225.10), dbSNP rs1944765423, ClinGen allele CA382078154.

ClinVar aggregate classification (germline): Pathogenic/Likely pathogenic. Review status: criteria provided, multiple submitters, no conflicts (2 of 4 stars). 2 submissions from 2 submitters: Pathogenic (1); Likely pathogenic (1). Last evaluated 2025-09-16.

Conditions:
SKIN/HAIR/EYE PIGMENTATION 3, LIGHT/DARK SKIN (SHEP3). Also called: EYE COLOR 1; EYE COLOR, GREEN/BLUE; SKIN/HAIR/EYE PIGMENTATION, VARIATION IN, 3; SKIN/HAIR/EYE PIGMENTATION 3, BLUE/GREEN EYE COLOR; SKIN/HAIR/EYE PIGMENTATION 3, FRECKLING. Identifiers: MedGen C2677190, OMIM 601800.

Allele frequency attached by ClinVar (database versions not stated): gnomAD exomes below 0.00001; gnomAD 0.00001; TOPMed 0.00002.
gnomAD v4.1: 4 of 1,611,442 alleles (0.00025%); highest among the groups gnomAD compares: Admixed American, 0.0017%; no homozygotes.

Submissions (2):

Labcorp Genetics (formerly Invitae), Labcorp
Classification: Pathogenic. Last evaluated: 2025-09-16. Review status: criteria provided, single submitter. Criteria: Invitae Variant Classification Sherloc (09022015). Collection method: clinical testing. Allele origin: germline.
Comment: This sequence change replaces tyrosine, which is neutral and polar, with cysteine, which is neutral and slightly polar, at codon 449 of the TYR protein (p.Tyr449Cys). This variant is not present in population databases (gnomAD no frequency). This missense change has been observed in individuals with oculocutaneous albinism (PMID: 13680365, 27734839; internal data). ClinVar contains an entry for this variant (Variation ID: 1454225). Invitae Evidence Modeling of protein sequence and biophysical properties (such as structural, functional, and spatial information, amino acid conservation, physicochemical variation, residue mobility, and thermodynamic stability) indicates that this missense variant is expected to disrupt TYR protein function with a positive predictive value of 95%. For these reasons, this variant has been classified as Pathogenic.

Baylor Genetics
Classification: Likely pathogenic for SKIN/HAIR/EYE PIGMENTATION 3, LIGHT/DARK SKIN. Last evaluated: 2024-02-17. Review status: criteria provided, single submitter. Criteria: ACMG Guidelines, 2015. Collection method: clinical testing. Allele origin: unknown.

Literature cited by the submitters: PubMed 13680365 (cited by Labcorp Genetics (formerly Invitae), Labcorp); PubMed 27734839 (cited by Labcorp Genetics (formerly Invitae), Labcorp).